The following is an entry in ClinVar:

NM_001276270.2(MBD4):c.1655C>T (p.Pro552Leu)

Gene: MBD4 (methyl-CpG binding domain 4, DNA glycosylase; minus strand). Cytogenetic location: 3q21.3.
Variant type: single nucleotide variant.
Coding change: c.1655C>T on transcript NM_001276270.2 (MANE Select); coding-DNA position 1655, C replaced by T.
Protein change: p.Pro552Leu; replaces proline 552 with leucine.
Molecular consequence: missense variant. On other transcripts: synonymous variant (1).
Genome position (GRCh38, 1-based): chr3:129,431,571, G>A on the plus strand (C>T on the coding strand, the complement: MBD4 is on the minus strand). VCF-style: chr3-129431571-G-A. GRCh37 (hg19) VCF-style: chr3-129150414-G-A.
Other names: c.1620C>T, p.Pro540= (NM_001276272.2); c.719C>T, p.Pro240Leu (NM_001276273.2); c.1673C>T, p.Pro558Leu (NM_003925.3); short protein forms P240L, P552L, P558L.
Identifiers: ClinVar variation 4624389 (VCV004624389.1).

ClinVar aggregate classification (germline): Uncertain significance (1 of 4 stars; one submission).

Conditions:
Inborn genetic diseases. Identifiers: MedGen C0950123, MeSH D030342.

Submission:

Ambry Genetics
Classification: Uncertain significance for Inborn genetic diseases. Last evaluated: 2025-09-29. Review status: criteria provided, single submitter. Criteria: Ambry Variant Classification Scheme 2023. Collection method: clinical testing. Allele origin: germline.
Comment: The p.P552L variant (also known as c.1655C>T), located in coding exon 8 of the MBD4 gene, results from a C to T substitution at nucleotide position 1655. The proline at codon 552 is replaced by leucine, an amino acid with similar properties. This amino acid position is conserved. In addition, this alteration is predicted to be deleterious by in silico analysis. Based on the available evidence, the clinical significance of this variant remains unclear.